The following is an entry in ClinVar:

ClinVar aggregate classification (germline): Uncertain significance (1 of 4 stars; one submission).

Submission:

Labcorp Genetics (formerly Invitae), Labcorp
Classification: Uncertain significance. Last evaluated: 2022-07-13. Review status: criteria provided, single submitter. Criteria: Invitae Variant Classification Sherloc (09022015). Collection method: clinical testing. Allele origin: germline.
Comment: In summary, the available evidence is currently insufficient to determine the role of this variant in disease. Therefore, it has been classified as a Variant of Uncertain Significance. This sequence change replaces alanine, which is neutral and non-polar, with valine, which is neutral and non-polar, at codon 618 of the XYLT2 protein (p.Ala618Val). This variant is not present in population databases (gnomAD no frequency). Algorithms developed to predict the effect of missense changes on protein structure and function (SIFT, PolyPhen-2, Align-GVGD) all suggest that this variant is likely to be tolerated. This variant has not been reported in the literature in individuals affected with XYLT2-related conditions.

NM_022167.4(XYLT2):c.1853C>T (p.Ala618Val)

Gene: XYLT2 (xylosyltransferase 2; plus strand). Cytogenetic location: 17q21.33.
Variant type: single nucleotide variant.
Coding change: c.1853C>T on transcript NM_022167.4 (MANE Select); coding-DNA position 1853, C replaced by T.
Protein change: p.Ala618Val; replaces alanine 618 with valine.
Molecular consequence: missense variant.
Genome position (GRCh38, 1-based): chr17:50,357,164, C>T. VCF-style: chr17-50357164-C-T. GRCh37 (hg19) VCF-style: chr17-48434525-C-T.
Other names: short protein forms A618V.
Identifiers: ClinVar variation 2016675 (VCV002016675.4), dbSNP rs2543956217, ClinGen allele CA400210974.
Genomic context (GRCh38, chr17:50,357,164, plus strand): 5'-ACGACCATTTCCAGGGCTACCTGGTGACGCAGGCGGTGCAGCCCTCAGCCCAGGGGCCGG[C>T]AGAGACGCTTGAGATGTGGCTGATGCCCCAAGGGTCGCTGAAGCTGTTGGGGCGCAGTGA-3'
Protein context (NP_071450.2, residues 608-628): QAVQPSAQGP[Ala618Val]ETLEMWLMPQ